The following is an entry in ClinVar:

ClinVar aggregate classification (germline): Pathogenic/Likely pathogenic. Review status: criteria provided, multiple submitters, no conflicts (2 of 4 stars). 4 submissions from 4 submitters: Pathogenic (2); Likely pathogenic (1). 1 of the submissions does not count toward it. Last evaluated 2021-07-26.

Conditions:
Phenylketonuria (PKU). Also called: Phenylketonuria (PKU); FOLLING DISEASE; OLIGOPHRENIA PHENYLPYRUVICA; Phenylketonurias. Identifiers: Orphanet 716, MedGen C0031485, MONDO:0009861, OMIM 261600. Disease mechanism: loss of function.

Submissions (4):

Fulgent Genetics
Classification: Pathogenic for Phenylketonuria. Last evaluated: 2021-07-26. Review status: criteria provided, single submitter. Criteria: ACMG Guidelines, 2015. Collection method: clinical testing. Allele origin: unknown.

GeneDx
Classification: Pathogenic. Last evaluated: 2015-03-13. Review status: criteria provided, single submitter. Criteria: GeneDx Variant Classification (06012015). Collection method: clinical testing. Allele origin: germline. Affected: yes.
Comment: The S350Y variant has been reported previously in association with classic phenylketonuria (PKU) in an individual who was heterozygous for S350Y and in whom a second pathogenic variatn was not identified (Polak et al., 2013). The S350Y variant is a semi-conservative amino acid substitution, which may impact secondary protein structure as these residues differ in some properties. This substitution occurs at a position that is conserved and in silico analysispredicts this variant is probably damaging to the protein structure/function. Furthermore, a conservativemissense variant at this residue (S350T) and missense variants in nearby residues (I340T, K341R/T, A342P/T, Y343D/C/F, Y344R/D/S/V, A345S/T, G346R/E, L347F, L348V, S349A/L/P, G352R/C, Y356H, C357G/Y) have been reported in the Human Gene Mutation Database in association with PKU (Stenson et al., 2014), supporting the functional importance of this region of the protein. Therefore, we interpret S350Y to be a pathogenic variant.

Juno Genomics, Hangzhou Juno Genomics, Inc
Classification: Likely pathogenic for Phenylketonuria. Review status: criteria provided, single submitter. Criteria: ACMG Guidelines, 2015. Collection method: clinical testing. Allele origin: germline. Affected: yes.
Comment: Absent from controls (or at extremely low frequency if recessive) in Genome Aggregation Database, Exome Sequencing Project, 1000 Genomes Project, or Exome Aggregation Consortium.;Well-established in vitro or in vivo functional studies supportive of a damaging effect on the gene or gene product.;For recessive disorders, detected in trans with a pathogenic variant.;Patient's phenotype or family history is highly specific for a disease with a single genetic etiology.

DeBelle Laboratory for Biochemical Genetics, MUHC/MCH RESEARCH INSTITUTE
No classification provided. Review status: no classification provided. Collection method: not provided. Allele origin: not provided. Not counted in ClinVar's aggregate classification.

NM_000277.3(PAH):c.1049C>A (p.Ser350Tyr)

Gene: PAH (phenylalanine hydroxylase; minus strand). Cytogenetic location: 12q23.2.
Variant type: single nucleotide variant.
Coding change: c.1049C>A on transcript NM_000277.3 (MANE Select); coding-DNA position 1049, C replaced by A.
Protein change: p.Ser350Tyr; replaces serine 350 with tyrosine.
Molecular consequence: missense variant.
Genome position (GRCh38, 1-based): chr12:102,844,352, G>T on the plus strand (C>A on the coding strand, the complement: PAH is on the minus strand). VCF-style: chr12-102844352-G-T. GRCh37 (hg19) VCF-style: chr12-103238130-G-T.
Other names: c.1049C>A, p.Ser350Tyr (NM_001354304.2); short protein forms S350Y.
Identifiers: ClinVar variation 102495 (VCV000102495.5), dbSNP rs62508628, ClinGen allele CA229305.